The following is an entry in ClinVar:

NM_000152.5(GAA):c.2189+1600C>T

Gene: GAA (alpha glucosidase; plus strand). Cytogenetic location: 17q25.3.
Variant type: single nucleotide variant.
Coding change: c.2189+1600C>T on transcript NM_000152.5 (MANE Select); 1600 bases into the intron after coding-DNA position 2189, C replaced by T.
Molecular consequence: intron variant.
Genome position (GRCh38, 1-based): chr17:80,114,966, C>T. VCF-style: chr17-80114966-C-T. GRCh37 (hg19) VCF-style: chr17-78088765-C-T.
Other names: c.2189+1600C>T (NM_001406741.1, NM_001406742.1, NM_001079803.3 and 1 more transcripts).
Identifiers: ClinVar variation 4876361 (VCV004876361.1).
Genomic context (GRCh38, chr17:80,114,966, plus strand): 5'-TAGGGTTCTTGACTGGCGGTCGTTTCTCTGAACACTTTGAACTTGTCAGCCCATGGCCTC[C>T]GTGGTTTCTGCTGAGTAGCTTCTGTCTTGCCTCTTCCCAGATTCTCTGTCTTTGGCCTTT-3'

ClinVar aggregate classification (germline): Benign (1 of 4 stars; one submission).

Conditions:
Glycogen storage disease, type II (IOPD). Also called: Pompe Disease; CARDIOMEGALIA GLYCOGENICA DIFFUSA; GLYCOGENOSIS, GENERALIZED, CARDIAC FORM; GSD II; POMPE DISEASE, INFANTILE-ONSET; GLYCOGEN STORAGE DISEASE II, INFANTILE-ONSET. Identifiers: Orphanet 365, MedGen C0017921, MONDO:0009290, OMIM 232300.

gnomAD v4.1: 8,860 of 152,202 alleles (5.8%); highest among the groups gnomAD compares: South Asian, 15%; 516 homozygotes.

Submission:

Genomenon, Inc
Classification: Benign for Glycogen storage disease, type II. Last evaluated: 2026-07-01. Review status: criteria provided, single submitter. Criteria: Genomenon Sequence Variant Interpretation Standards - Updated. Collection method: curation. Allele origin: germline. Affected: no.
Comment: GAA c.2189+1600C>T is an intronic variant located in intron 15. This variant is present at high allele frequency in population databases. We classify GAA c.2189+1600C>T as a benign variant.